The following is an entry in ClinVar:

NM_000545.8(HNF1A):c.886G>A (p.Gly296Arg)

Gene: HNF1A (HNF1 homeobox A; plus strand). Cytogenetic location: 12q24.31.
Variant type: single nucleotide variant.
Coding change: c.886G>A on transcript NM_000545.8 (MANE Select); coding-DNA position 886, G replaced by A.
Protein change: p.Gly296Arg; replaces glycine 296 with arginine.
Molecular consequence: missense variant.
Genome position (GRCh38, 1-based): chr12:120,994,336, G>A. VCF-style: chr12-120994336-G-A. GRCh37 (hg19) VCF-style: chr12-121432139-G-A.
Other names: c.886G>A, p.Gly296Arg (NM_001306179.2, NM_001406915.1); short protein forms G296R.
Identifiers: ClinVar variation 5039219 (VCV005039219.1).
Genomic context (GRCh38, chr12:120,994,336, plus strand): 5'-GCCTTCCGGCACAAGCTGGCCATGGACACGTACAGCGGGCCCCCCCCAGGGCCAGGCCCG[G>A]GACCTGCGCTGCCCGCTCACAGCTCCCCTGGCCTGCCTCCACCTGCCCTCTCCCCCAGTA-3'
Protein context (NP_000536.6, residues 286-306): YSGPPPGPGP[Gly296Arg]PALPAHSSPG

ClinVar aggregate classification (germline): Uncertain significance (1 of 4 stars; one submission).

gnomAD v4.1: 1 of 1,606,332 alleles (0.000062%); highest among the groups gnomAD compares: Non-Finnish European, 0.000085%; no homozygotes.

Submission:

CeGaT Center for Human Genetics Tuebingen
Classification: Uncertain significance. Last evaluated: 2026-08-01. Review status: criteria provided, single submitter. Criteria: CeGaT Center For Human Genetics Tuebingen Variant Classification Criteria Version 2. Collection method: clinical testing. Allele origin: germline. Affected: yes. Observed: 1 variant allele.
Comment: HNF1A: PM2